The following is an entry in ClinVar:

NM_020884.7(MYH7B):c.3736A>G (p.Thr1246Ala)

Gene: MYH7B (myosin heavy chain 7B; plus strand). Cytogenetic location: 20q11.22.
Variant type: single nucleotide variant.
Coding change: c.3736A>G on transcript NM_020884.7 (MANE Select); coding-DNA position 3736, A replaced by G.
Protein change: p.Thr1246Ala; replaces threonine 1246 with alanine.
Molecular consequence: missense variant.
Genome position (GRCh38, 1-based): chr20:34,997,629, A>G. VCF-style: chr20-34997629-A-G. GRCh37 (hg19) VCF-style: chr20-33585432-A-G.
Other names: short protein forms T1246A.
Identifiers: ClinVar variation 1931962 (VCV001931962.5), dbSNP rs2519217589, ClinGen allele CA408712042.

ClinVar aggregate classification (germline): Uncertain significance (1 of 4 stars; one submission).

Allele frequency attached by ClinVar (database versions not stated): gnomAD exomes below 0.00001.
gnomAD v4.1: 8 of 1,613,270 alleles (0.0005%); highest among the groups gnomAD compares: African/African-American, 0.0013%; no homozygotes.

Submission:

Labcorp Genetics (formerly Invitae), Labcorp
Classification: Uncertain significance. Last evaluated: 2022-07-19. Review status: criteria provided, single submitter. Criteria: Invitae Variant Classification Sherloc (09022015). Collection method: clinical testing. Allele origin: germline.
Comment: In summary, the available evidence is currently insufficient to determine the role of this variant in disease. Therefore, it has been classified as a Variant of Uncertain Significance. Algorithms developed to predict the effect of missense changes on protein structure and function output the following: SIFT: "Tolerated"; PolyPhen-2: "Benign"; Align-GVGD: "Class C0". The alanine amino acid residue is found in multiple mammalian species, which suggests that this missense change does not adversely affect protein function. This variant has not been reported in the literature in individuals affected with MYH7B-related conditions. This variant is not present in population databases (gnomAD no frequency). This sequence change replaces threonine, which is neutral and polar, with alanine, which is neutral and non-polar, at codon 1288 of the MYH7B protein (p.Thr1288Ala).